The following is an entry in ClinVar:

ClinVar aggregate classification (germline): Benign. Review status: criteria provided, multiple submitters, no conflicts (2 of 4 stars). 6 submissions from 5 submitters: Benign (5). 1 of the submissions does not count toward it. Last evaluated 2026-01-27.

Conditions:
Keratosis follicularis (DAR). Also called: Darier disease; Darier's disease. Identifiers: Orphanet 218, MedGen C0022595, MONDO:0007417, OMIM 124200.
Acrokeratosis verruciformis of Hopf (AKV). Also called: HOPF DISEASE; Acrokeratosis verruciformis. Identifiers: Orphanet 79151, MedGen C0265971, MONDO:0007048, OMIM 101900.
ATP2A2-related disorder. Also called: ATP2A2-Related Disorders; ATP2A2-related condition.

Allele frequency attached by ClinVar (database versions not stated): gnomAD exomes 0.00645; ExAC 0.00762; gnomAD 0.02302 and 0.02475; 1000 Genomes Project 0.02396; TOPMed 0.02550; 1000 Genomes Project 30x 0.02577; ESP Exome Variant Server 0.02952.
gnomAD v4.1: 7,656 of 1,613,756 alleles (0.47%); highest among the groups gnomAD compares: African/African-American, 8.1%; 249 homozygotes.

Submissions (11):

Labcorp Genetics (formerly Invitae), Labcorp
Classification: Benign. Last evaluated: 2026-01-27. Review status: criteria provided, single submitter. Criteria: Invitae Variant Classification Sherloc (09022015). Collection method: clinical testing. Allele origin: germline.

Genome-Nilou Lab
Classification: Benign for Acrokeratosis verruciformis of Hopf. Last evaluated: 2021-12-05. Review status: criteria provided, single submitter. Criteria: ACMG Guidelines, 2015. Collection method: clinical testing. Allele origin: germline. Affected: no.

Genome-Nilou Lab
Classification: Benign for Keratosis follicularis. Last evaluated: 2021-12-05. Review status: criteria provided, single submitter. Criteria: ACMG Guidelines, 2015. Collection method: clinical testing. Allele origin: germline. Affected: no.

Illumina Laboratory Services, Illumina
Classification: Benign for Keratosis follicularis. Last evaluated: 2018-01-12. Review status: criteria provided, single submitter. Criteria: ICSL Variant Classification Criteria 13 December 2019. Collection method: clinical testing. Allele origin: germline.
Comment: This variant was observed in the ICSL laboratory as part of a predisposition screen in an ostensibly healthy population. It had not been previously curated by ICSL or reported in the Human Gene Mutation Database (HGMD: prior to June 1st, 2018), and was therefore a candidate for classification through an automated scoring system. Utilizing variant allele frequency, disease prevalence and penetrance estimates, and inheritance mode, an automated score was calculated to assess if this variant is too frequent to cause the disease. Based on the score and internal cut-off values, a variant classified as benign is not then subjected to further curation. The score for this variant resulted in a classification of benign for this disease.

Breakthrough Genomics
Classification: Benign. Review status: criteria provided, single submitter. Criteria: ACMG Guidelines, 2015. Collection method: not provided. Allele origin: germline. Inheritance: Autosomal dominant inheritance. Affected: yes.

PreventionGenetics, part of Exact Sciences
Classification: Benign for ATP2A2-related condition. Last evaluated: 2020-02-18. Review status: no assertion criteria provided. Collection method: clinical testing. Allele origin: germline. Not counted in ClinVar's aggregate classification.
Comment: This variant is classified as benign based on ACMG/AMP sequence variant interpretation guidelines (Richards et al. 2015 PMID: 25741868, with internal and published modifications).

Dr. Peter K. Rogan Lab, Western University
No classification provided (evidence only). Condition: Acute myeloid leukemia. Review status: no classification provided. Collection method: in vitro. Allele origin: not applicable. Functional consequence: retained intron. Not counted in ClinVar's aggregate classification.

Dr. Peter K. Rogan Lab, Western University
No classification provided (evidence only). Condition: Uterine corpus endometrial carcinoma. Review status: no classification provided. Collection method: in vitro. Allele origin: not applicable. Functional consequence: retained intron. Not counted in ClinVar's aggregate classification.

Dr. Peter K. Rogan Lab, Western University
No classification provided (evidence only). Condition: Cervical cancer. Review status: no classification provided. Collection method: in vitro. Allele origin: not applicable. Functional consequence: retained intron. Not counted in ClinVar's aggregate classification.

Dr. Peter K. Rogan Lab, Western University
No classification provided (evidence only). Condition: Ovarian serous cystadenocarcinoma. Review status: no classification provided. Collection method: in vitro. Allele origin: not applicable. Functional consequence: retained intron. Not counted in ClinVar's aggregate classification.

Dr. Peter K. Rogan Lab, Western University
No classification provided (evidence only). Condition: Malignant tumor of esophagus. Review status: no classification provided. Collection method: in vitro. Allele origin: not applicable. Functional consequence: retained intron. Not counted in ClinVar's aggregate classification.

NM_170665.4(ATP2A2):c.1420-8C>G

Gene: ATP2A2 (ATPase sarcoplasmic/endoplasmic reticulum Ca2+ transporting 2; plus strand). Cytogenetic location: 12q24.11.
Variant type: single nucleotide variant.
Coding change: c.1420-8C>G on transcript NM_170665.4 (MANE Select); 8 bases into the intron before coding-DNA position 1420, C replaced by G.
Molecular consequence: intron variant.
Genome position (GRCh38, 1-based): chr12:110,339,273, C>G. VCF-style: chr12-110339273-C-G. GRCh37 (hg19) VCF-style: chr12-110777078-C-G.
Other names: c.1420-8C>G (NM_001681.4).
Identifiers: ClinVar variation 307172 (VCV000307172.18), dbSNP rs112499287, ClinGen allele CA6783906.